The following is an entry in ClinVar:

NM_000443.4(ABCB4):c.716C>T (p.Ser239Leu)

Gene: ABCB4 (ATP binding cassette subfamily B member 4; minus strand). Cytogenetic location: 7q21.12.
Variant type: single nucleotide variant.
Coding change: c.716C>T on transcript NM_000443.4 (MANE Select); coding-DNA position 716, C replaced by T.
Protein change: p.Ser239Leu; replaces serine 239 with leucine.
Molecular consequence: missense variant.
Genome position (GRCh38, 1-based): chr7:87,450,085, G>A on the plus strand (C>T on the coding strand, the complement: ABCB4 is on the minus strand). VCF-style: chr7-87450085-G-A. GRCh37 (hg19) VCF-style: chr7-87079401-G-A.
Other names: c.716C>T, p.Ser239Leu (NM_018849.3, NM_018850.3); short protein forms S239L.
Identifiers: ClinVar variation 3681969 (VCV003681969.3).

ClinVar aggregate classification (germline): Conflicting classifications of pathogenicity. Review status: criteria provided, conflicting classifications (1 of 4 stars). 2 submissions from 2 submitters: Likely pathogenic (1); Uncertain significance (1). Last evaluated 2026-04-14.

Conditions:
Familial intrahepatic cholestasis. Identifiers: Orphanet 284385, MedGen CN296401, MONDO:0017290.

gnomAD v4.1: 13 of 1,613,910 alleles (0.00081%); highest among the groups gnomAD compares: African/African-American, 0.0027%; no homozygotes.

Submissions (2):

Genomenon, Inc
Classification: Likely pathogenic for Familial intrahepatic cholestasis. Last evaluated: 2026-04-14. Review status: criteria provided, single submitter. Criteria: Genomenon Sequence Variant Interpretation Standards - Updated. Collection method: curation. Allele origin: germline. Affected: yes.
Comment: ABCB4 p.Ser239Leu (c.716C>T) is a missense variant that changes the amino acid at residue 239 from Serine to Leucine. This variant has been observed in at least one proband with an ABCB4-related disorder (PMID:40870862;36550572;35894240). It has been observed in trans with a pathogenic or likely pathogenic variant (PMID:36550572). It is absent or not present at a significant frequency in gnomAD. In silico models predict that this variant is possibly or probably damaging. In conclusion, we classify ABCB4 p.Ser239Leu (c.716C>T) as a likely pathogenic variant.

Labcorp Genetics (formerly Invitae), Labcorp
Classification: Uncertain significance. Last evaluated: 2024-08-05. Review status: criteria provided, single submitter. Criteria: Invitae Variant Classification Sherloc (09022015). Collection method: clinical testing. Allele origin: germline.
Comment: This sequence change replaces serine, which is neutral and polar, with leucine, which is neutral and non-polar, at codon 239 of the ABCB4 protein (p.Ser239Leu). This variant is not present in population databases (gnomAD no frequency). This missense change has been observed in individual(s) with clinical features of autosomal recessive ABCB4-related conditions (PMID: 35894240). Advanced modeling of protein sequence and biophysical properties (such as structural, functional, and spatial information, amino acid conservation, physicochemical variation, residue mobility, and thermodynamic stability) has been performed at Invitae for this missense variant, however the output from this modeling did not meet the statistical confidence thresholds required to predict the impact of this variant on ABCB4 protein function. In summary, the available evidence is currently insufficient to determine the role of this variant in disease. Therefore, it has been classified as a Variant of Uncertain Significance.

Literature cited by the submitters: PubMed 40870862 (cited by Genomenon, Inc); PubMed 36550572 (cited by Genomenon, Inc); PubMed 35894240 (cited by Genomenon, Inc and Labcorp Genetics (formerly Invitae), Labcorp).